The following is an entry in ClinVar:

ClinVar aggregate classification (germline): Uncertain significance (1 of 4 stars; one submission).

Conditions:
Cardiovascular phenotype. Identifiers: MedGen CN230736.

Submission:

Ambry Genetics
Classification: Uncertain significance for Cardiovascular phenotype. Last evaluated: 2020-03-10. Review status: criteria provided, single submitter. Criteria: Ambry Variant Classification Scheme 2023. Collection method: clinical testing. Allele origin: germline.
Comment: The p.L705P variant (also known as c.2114T>C), located in coding exon 12 of the EPHB4 gene, results from a T to C substitution at nucleotide position 2114. The leucine at codon 705 is replaced by proline, an amino acid with similar properties. This amino acid position is highly conserved in available vertebrate species. In addition, this alteration is predicted to be deleterious by in silico analysis. Since supporting evidence is limited at this time, the clinical significance of this alteration remains unclear.

NM_004444.5(EPHB4):c.2114T>C (p.Leu705Pro)

Gene: EPHB4 (EPH receptor B4; minus strand). Cytogenetic location: 7q22.1.
Variant type: single nucleotide variant.
Coding change: c.2114T>C on transcript NM_004444.5 (MANE Select); coding-DNA position 2114, T replaced by C.
Protein change: p.Leu705Pro; replaces leucine 705 with proline.
Molecular consequence: missense variant.
Genome position (GRCh38, 1-based): chr7:100,812,751, A>G on the plus strand (T>C on the coding strand, the complement: EPHB4 is on the minus strand). VCF-style: chr7-100812751-A-G. GRCh37 (hg19) VCF-style: chr7-100410373-A-G.
Other names: short protein forms L705P.
Identifiers: ClinVar variation 1786158 (VCV001786158.2), dbSNP rs2485016050, ClinGen allele CA368569957.